The following is an entry in ClinVar:

NM_000159.4(GCDH):c.1213A>G (p.Met405Val)

Gene: GCDH (glutaryl-CoA dehydrogenase; plus strand). Cytogenetic location: 19p13.13.
Variant type: single nucleotide variant.
Coding change: c.1213A>G on transcript NM_000159.4 (MANE Select); coding-DNA position 1213, A replaced by G.
Protein change: p.Met405Val; replaces methionine 405 with valine.
Molecular consequence: missense variant. On other transcripts: non-coding transcript variant (2).
Genome position (GRCh38, 1-based): chr19:12,897,833, A>G. VCF-style: chr19-12897833-A-G. GRCh37 (hg19) VCF-style: chr19-13008647-A-G.
Other names: c.1213A>G, p.Met405Val (NM_013976.5); short protein forms M405V.
Identifiers: ClinVar variation 193798 (VCV000193798.44), dbSNP rs141437721, ClinGen allele CA274948.

ClinVar aggregate classification (germline): Pathogenic/Likely pathogenic. Review status: criteria provided, multiple submitters, no conflicts (2 of 4 stars). 15 submissions from 15 submitters: Pathogenic (13); Likely pathogenic (1). 1 of the submissions does not count toward it. Last evaluated 2026-08-26.

Conditions:
Inborn genetic diseases. Identifiers: MedGen C0950123, MeSH D030342.
GCDH-related disorder. Also called: GCDH-related condition.
Glutaric aciduria, type 1. Also called: Glutaryl-CoA dehydrogenase deficiency; GA I; Glutaric Acidemia Type 1; Glutaricaciduria, type I; Glutaric acidemia type I; Glutaricacidemia Type 1. Identifiers: Orphanet 25, MedGen C0268595, MONDO:0009281, OMIM 231670.

Allele frequency attached by ClinVar (database versions not stated): gnomAD 0.00018 and 0.00017; 1000 Genomes Project 0.00040; TOPMed 0.00028; 1000 Genomes Project 30x 0.00031; ESP Exome Variant Server 0.00031; gnomAD exomes 0.00004 and 0.00006; ExAC 0.00007.
gnomAD v4.1: 95 of 1,613,956 alleles (0.0059%); highest among the groups gnomAD compares: African/African-American, 0.067%; no homozygotes.

Submissions (15):

PreventionGenetics, part of Exact Sciences
Classification: Pathogenic for GCDH-related condition. Last evaluated: 2026-08-26. Review status: criteria provided, single submitter. Criteria: ACMG Guidelines, 2015. Collection method: clinical testing. Allele origin: germline.
Comment: The GCDH c.1213A>G variant is predicted to result in the amino acid substitution p.Met405Val. This variant has been reported along with a second GCDH variant in patients with clinical and/or biochemical features of glutaric acidemia type I (for example, see Korman et al. 2007. PubMed ID: 17188916; Schillaci et al. 2016. PubMed ID: 27397597; Boy et al. 2017. PubMed ID: 28438223; Guenzal et al. 2021. PubMed ID: 34258142). It has been reported in association with reduced GCDH enzyme activity and low excretion of glutaric acid. Importantly, low-excretor patients may be more difficult to detect with biochemical testing as well as in newborn screening based on C5DC acylcarnitine (Schillaci et al. 2016. PubMed ID: 27397597; Larson et al. 2019. PubMed ID: 31536184). This variant is reported in 0.064% of alleles in individuals of African descent in gnomAD. This variant is interpreted as pathogenic.

Natera, Inc.
Classification: Pathogenic for Glutaric acidemia type 1. Last evaluated: 2026-01-29. Review status: criteria provided, single submitter. Criteria: Natera Variant Classification Schema (03/2026). Collection method: clinical testing. Allele origin: germline.
Comment: The c.1213A>G variant in GCDH is a missense variant predicted to cause substitution of methionine to valine at amino acid 405. This variant is rare in the general population with a frequency below the threshold expected for the associated phenotype(s). This variant has been observed in one or more individuals affected with the associated recessive disease, as either homozygous or compound heterozygous with a second variant (PMID: 27397597, 34207159). Additionally, this variant has been observed to segregate in affected family members (PMID: 34207159). Given the available evidence, this variant is classified as Pathogenic.

Ambry Genetics
Classification: Pathogenic for Inborn genetic diseases. Last evaluated: 2026-01-22. Review status: criteria provided, single submitter. Criteria: Ambry Variant Classification Scheme 2023. Collection method: clinical testing. Allele origin: germline.
Comment: The c.1213A>G (p.M405V) alteration is located in exon 11 (coding exon 10) of the GCDH gene. This alteration results from a A to G substitution at nucleotide position 1213, causing the methionine (M) at amino acid position 405 to be replaced by a valine (V). Based on data from gnomAD, the G allele has an overall frequency of 0.007% (21/282578) total alleles studied. The highest observed frequency was 0.064% (16/24930) of African alleles. This variant has been identified in the homozygous state and/or in conjunction with other GCDH variant(s) in individual(s) with features consistent with glutaric aciduria; despite having relatively severe clinical presentations, some of these individuals had low excretion of glutaric acid, making them difficult to identify by newborn screening (Korman, 2007; Schillaci, 2016; Gragnaniello, 2025). This amino acid position is well conserved in available vertebrate species. This alteration is predicted to be deleterious by in silico analysis. Based on the available evidence, this alteration is classified as pathogenic.

3billion
Classification: Pathogenic for Glutaric aciduria, type 1. Last evaluated: 2026-01-19. Review status: criteria provided, single submitter. Criteria: ACMG Guidelines, 2015. Collection method: clinical testing. Allele origin: germline. Affected: yes.
Comment: The variant is observed at an extremely low frequency in the gnomAD v4.1.0 dataset (total allele frequency: 0.006%). Predicted Consequence/Location: The variant is located in a mutational hot spot and/or well-established functional domain in which established pathogenic variants have been reported. In silico tool predictions suggest damaging effect of the variant on gene or gene product [REVEL: 0.61 (>=0.6, sensitivity 0.68 and specificity 0.92); 3Cnet: 0.76 (> 0.75, sensitivity 0.96 and precision 0.92)]. The same nucleotide change resulting in the same amino acid change has been previously reported as pathogenic/likely pathogenic with strong evidence (ClinVar ID: VCV000193798 /PMID: 17188916 /3billion dataset). A different missense change at the same codon (p.Met405Thr) has been reported to be associated with GCDH-related disorder (ClinVar ID: VCV001995265). Therefore, this variant is classified as Pathogenic according to the recommendation of ACMG/AMP guideline.

Labcorp Genetics (formerly Invitae), Labcorp
Classification: Pathogenic for Glutaric aciduria, type 1. Last evaluated: 2026-01-18. Review status: criteria provided, single submitter. Criteria: Invitae Variant Classification Sherloc (09022015). Collection method: clinical testing. Allele origin: germline.
Comment: This sequence change replaces methionine, which is neutral and non-polar, with valine, which is neutral and non-polar, at codon 405 of the GCDH protein (p.Met405Val). This variant is present in population databases (rs141437721, gnomAD 0.05%). This missense change has been observed in individual(s) with glutaric acidemia, type I (PMID: 17188916, 27397597, 28438223). ClinVar contains an entry for this variant (Variation ID: 193798). Invitae Evidence Modeling of protein sequence and biophysical properties (such as structural, functional, and spatial information, amino acid conservation, physicochemical variation, residue mobility, and thermodynamic stability) indicates that this missense variant is not expected to disrupt GCDH protein function with a negative predictive value of 80%. For these reasons, this variant has been classified as Pathogenic.

GeneDx
Classification: Likely pathogenic. Last evaluated: 2025-10-01. Review status: criteria provided, single submitter. Criteria: GeneDx Variant Classification Process June 2021. Collection method: clinical testing. Allele origin: germline. Affected: yes.
Comment: In silico analysis suggests that this missense variant does not alter protein structure/function; This variant is associated with the following publications: (PMID: 31589614, 16183314, 27397597, 25255367, 17188916, 28389991, 36976725, 28438223, 25590979, 36906724, 34207159, 34258142, 38296580, 37020324, 40517577, 40361251)

Blueprint Genetics
Classification: Pathogenic for GCDH-related disorders. Last evaluated: 2024-07-12. Review status: criteria provided, single submitter. Criteria: ACMG Guidelines, 2015. Collection method: clinical testing. Allele origin: germline. Affected: yes. Observed: 5 variant alleles.

Genomic Medicine Center of Excellence, King Faisal Specialist Hospital and Research Centre
Classification: Pathogenic for Glutaric aciduria, type 1. Last evaluated: 2024-04-04. Review status: criteria provided, single submitter. Criteria: ACMG Guidelines, 2015. Collection method: clinical testing. Allele origin: germline.

Fulgent Genetics
Classification: Pathogenic for Glutaric aciduria, type 1. Last evaluated: 2023-12-28. Review status: criteria provided, single submitter. Criteria: ACMG Guidelines, 2015. Collection method: clinical testing. Allele origin: germline.

Women's Health and Genetics/Laboratory Corporation of America, LabCorp
Classification: Pathogenic for Glutaric aciduria, type 1. Last evaluated: 2023-09-13. Review status: criteria provided, single submitter. Criteria: LabCorp Variant Classification Summary - May 2015. Collection method: clinical testing. Allele origin: germline.
Comment: Variant summary: GCDH c.1213A>G (p.Met405Val) results in a conservative amino acid change located in the Acyl-CoA dehydrogenase/oxidase C-terminal domain (IPR009075) of the encoded protein sequence. Four of five in-silico tools predict a benign effect of the variant on protein function. The variant allele was found at a frequency of 6e-05 in 251442 control chromosomes (gnomAD). This frequency is not significantly higher than estimated for a pathogenic variant in GCDH causing Glutaric Acidemia Type 1 (6e-05 vs 0.0035), allowing no conclusion about variant significance. c.1213A>G has been reported in the literature (in compound heterozygous and homozygous state) in multiple individuals affected with Glutaric Acidemia Type 1 (GA-I) (e.g. Boy_2017, Cerisola_2009, Gallagher_2005, Korman_2007, Schillaci_2016). These data indicate that the variant is very likely to be associated with disease. These reports also indicated that this variant is associated with a low excretor biochemical phenotype, and therefore could potentially be missed by current new born screening programs that are using biochemical diagnosis based on elevated metabolites in the urine or blood (Schillaci_2016). The following publications have been ascertained in the context of this evaluation (PMID: 28438223, 19433275, 19167251, 16183314, 17188916, 27397597). Six submitters have cited clinical-significance assessments for this variant to ClinVar after 2014. All submitters classified the variant as pathogenic. Based on the evidence outlined above, the variant was classified as pathogenic.

Myriad Genetics, Inc.
Classification: Pathogenic for Glutaric aciduria, type 1. Last evaluated: 2021-11-08. Review status: criteria provided, single submitter. Criteria: Myriad Women's Health Autosomal Recessive and X-Linked Classification Criteria (2021). Collection method: clinical testing. Allele origin: unknown.
Comment: NM_000159.2(GCDH):c.1213A>G(M405V) is a missense variant classified as pathogenic in the context of glutaric acidemia, GCDH-related. M405V has been observed in cases with relevant disease (PMID: 25590979, 19433275, 17188916, 27397597). Functional assessments of this variant are not available in the literature. M405V has been observed in population frequency databases (gnomAD: AFR 0.06%). In summary, NM_000159.2(GCDH):c.1213A>G(M405V) is a missense variant that has been observed more frequently in cases with the relevant disease than in healthy populations. Please note: this variant was assessed in the context of healthy population screening.

Institute of Human Genetics Munich, TUM University Hospital
Classification: Pathogenic for Glutaric aciduria, type 1. Last evaluated: 2018-07-04. Review status: criteria provided, single submitter. Criteria: Classification criteria August 2017. Collection method: clinical testing. Allele origin: germline. Inheritance: Autosomal recessive inheritance. Affected: yes. Observed: 1 homozygote.

Eurofins Ntd Llc (ga)
Classification: Pathogenic. Last evaluated: 2015-03-19. Review status: criteria provided, single submitter. Criteria: EGL Classification Definitions 2015. Collection method: clinical testing. Allele origin: germline. Observed: 3 variant alleles, 3 heterozygotes.

Clinical Genetics Service, Universitary Hospital 12 de Octubre
Classification: Pathogenic for Glutaric aciduria, type 1. Review status: criteria provided, single submitter. Criteria: ACMG Guidelines, 2015. Collection method: clinical testing. Allele origin: germline. Affected: yes.

GeneReviews
No classification provided. Condition: Glutaric aciduria, type 1. Review status: no classification provided. Collection method: literature only. Allele origin: germline. Not counted in ClinVar's aggregate classification.
Comment: common variant among low-excreter African Americans

Literature cited by the submitters: PubMed 27397597 (cited by 6 submitters); PubMed 34207159 (cited by Natera, Inc.); PubMed 17188916 (cited by 6 submitters); PubMed 40361251 (cited by Ambry Genetics); PubMed 28438223 (cited by Labcorp Genetics (formerly Invitae), Labcorp and Women's Health and Genetics/Laboratory Corporation of America, LabCorp); PubMed 19433275 (cited by Women's Health and Genetics/Laboratory Corporation of America, LabCorp and Myriad Genetics, Inc.); PubMed 19167251 (cited by Women's Health and Genetics/Laboratory Corporation of America, LabCorp); PubMed 16183314 (cited by Women's Health and Genetics/Laboratory Corporation of America, LabCorp); PubMed 25590979 (cited by Myriad Genetics, Inc.); PubMed 31536184 (cited by GeneReviews).